The following is an entry in ClinVar:

NM_006265.3(RAD21):c.1232A>G (p.Asp411Gly)

Gene: RAD21 (RAD21 cohesin complex component; minus strand). Cytogenetic location: 8q24.11.
Variant type: single nucleotide variant.
Coding change: c.1232A>G on transcript NM_006265.3 (MANE Select); coding-DNA position 1232, A replaced by G.
Protein change: p.Asp411Gly; replaces aspartic acid 411 with glycine.
Molecular consequence: missense variant.
Genome position (GRCh38, 1-based): chr8:116,852,638, T>C on the plus strand (A>G on the coding strand, the complement: RAD21 is on the minus strand). VCF-style: chr8-116852638-T-C. GRCh37 (hg19) VCF-style: chr8-117864877-T-C.
Other names: short protein forms D411G.
Identifiers: ClinVar variation 5039904 (VCV005039904.1).

ClinVar aggregate classification (germline): Uncertain significance (1 of 4 stars; one submission).

Submission:

CeGaT Center for Human Genetics Tuebingen
Classification: Uncertain significance. Last evaluated: 2026-08-01. Review status: criteria provided, single submitter. Criteria: CeGaT Center For Human Genetics Tuebingen Variant Classification Criteria Version 2. Collection method: clinical testing. Allele origin: germline. Affected: yes. Observed: 1 variant allele.
Comment: RAD21: PM2, PP3